The following is an entry in ClinVar:

NM_194293.4(XIRP1):c.2856G>A (p.Pro952=)

Gene: XIRP1 (xin actin binding repeat containing 1; minus strand). Cytogenetic location: 3p22.2.
Variant type: single nucleotide variant.
Coding change: c.2856G>A on transcript NM_194293.4 (MANE Select); coding-DNA position 2856, G replaced by A.
Protein change: p.Pro952=; no amino-acid change (proline 952 retained).
Molecular consequence: synonymous variant. On other transcripts: intron variant (1).
Genome position (GRCh38, 1-based): chr3:39,186,590, C>T on the plus strand (G>A on the coding strand, the complement: XIRP1 is on the minus strand). VCF-style: chr3-39186590-C-T. GRCh37 (hg19) VCF-style: chr3-39228081-C-T.
Other names: c.2856G>A, p.Pro952= (NM_001198621.4); c.-167-929G>A (NM_001351377.2).
Identifiers: ClinVar variation 711879 (VCV000711879.7), dbSNP rs147804386, ClinGen allele CA2326165.

ClinVar aggregate classification (germline): Benign. Review status: criteria provided, multiple submitters, no conflicts (2 of 4 stars). 3 submissions from 3 submitters: Benign (2). 1 of the submissions does not count toward it. Last evaluated 2019-12-31.

Conditions:
XIRP1-related disorder. Also called: XIRP1-related condition.

Allele frequency attached by ClinVar (database versions not stated): gnomAD exomes 0.00155 and 0.00283; ExAC 0.00284; gnomAD 0.00285 and 0.00295; ESP Exome Variant Server 0.00292; 1000 Genomes Project 30x 0.00312; 1000 Genomes Project 0.00319; TOPMed 0.00358.

Submissions (3):

Labcorp Genetics (formerly Invitae), Labcorp
Classification: Benign. Last evaluated: 2019-12-31. Review status: criteria provided, single submitter. Criteria: Invitae Variant Classification Sherloc (09022015). Collection method: clinical testing. Allele origin: germline.

Breakthrough Genomics
Classification: Benign. Review status: criteria provided, single submitter. Criteria: ACMG Guidelines, 2015. Collection method: not provided. Allele origin: germline. Inheritance: Unknown mechanism. Affected: yes.

PreventionGenetics, part of Exact Sciences
Classification: Benign for XIRP1-related condition. Last evaluated: 2019-03-06. Review status: no assertion criteria provided. Collection method: clinical testing. Allele origin: germline. Not counted in ClinVar's aggregate classification.
Comment: This variant is classified as benign based on ACMG/AMP sequence variant interpretation guidelines (Richards et al. 2015 PMID: 25741868, with internal and published modifications).